The following is an entry in ClinVar:

NM_006767.4(LZTR1):c.1056T>G (p.Tyr352Ter)

Gene: LZTR1 (leucine zipper like post translational regulator 1; plus strand). Cytogenetic location: 22q11.21.
Variant type: single nucleotide variant.
Coding change: c.1056T>G on transcript NM_006767.4 (MANE Select); coding-DNA position 1056, T replaced by G.
Protein change: p.Tyr352Ter; replaces tyrosine 352 with a stop codon.
Molecular consequence: nonsense.
Genome position (GRCh38, 1-based): chr22:20,992,276, T>G. VCF-style: chr22-20992276-T-G. GRCh37 (hg19) VCF-style: chr22-21346565-T-G.
Other names: short protein forms Y352*.
Identifiers: ClinVar variation 3541483 (VCV003541483.3).

ClinVar aggregate classification (germline): Pathogenic. Review status: criteria provided, multiple submitters, no conflicts (2 of 4 stars). 2 submissions from 2 submitters: Pathogenic (2). Last evaluated 2024-09-06.

Conditions:
Hereditary cancer-predisposing syndrome. Also called: Hereditary Cancer Syndrome; Hereditary neoplastic syndrome; Tumor predisposition; Neoplastic Syndromes, Hereditary. Identifiers: Orphanet 140162, MedGen C0027672, MeSH D009386, MONDO:0015356.
Cardiovascular phenotype. Identifiers: MedGen CN230736.

Submissions (2):

Labcorp Genetics (formerly Invitae), Labcorp
Classification: Pathogenic. Last evaluated: 2024-09-06. Review status: criteria provided, single submitter. Criteria: Invitae Variant Classification Sherloc (09022015). Collection method: clinical testing. Allele origin: germline.
Comment: This sequence change creates a premature translational stop signal (p.Tyr352*) in the LZTR1 gene. It is expected to result in an absent or disrupted protein product. Loss-of-function variants in LZTR1 are known to be pathogenic (PMID: 24362817, 25335493, 25480913, 25795793, 29469822, 30368668, 30442762, 30442766, 30481304, 30859559). This variant is not present in population databases (gnomAD no frequency). This variant has not been reported in the literature in individuals affected with LZTR1-related conditions. For these reasons, this variant has been classified as Pathogenic.

Ambry Genetics
Classification: Pathogenic for Cardiovascular phenotype; Hereditary cancer-predisposing syndrome. Last evaluated: 2024-09-04. Review status: criteria provided, single submitter. Criteria: Ambry Variant Classification Scheme 2023. Collection method: clinical testing. Allele origin: germline.
Comment: The p.Y352* pathogenic mutation (also known as c.1056T>G), located in coding exon 10 of the LZTR1 gene, results from a T to G substitution at nucleotide position 1056. This changes the amino acid from a tyrosine to a stop codon within coding exon 10. This variant is considered to be rare based on population cohorts in the Genome Aggregation Database (gnomAD). This alteration is expected to result in loss of function by premature protein truncation or nonsense-mediated mRNA decay. Loss-of-function variants in LZTR1 are related to an increased risk for schwannomas and autosomal recessive Noonan syndrome; however, such associations with autosomal dominant Noonan syndrome have not been observed (Piotrowski A et al. Nat Genet. 2014 Feb;46:182-7; Yamamoto GL et al. J Med Genet. 2015 Jun;52:413-21; Johnston JJ et al. Genet Med. 2018 10;20:1175-1185). Based on the supporting evidence, this variant is pathogenic for an increased risk of LZTR1-related schwannomatosis (SWN) and would be expected to cause autosomal recessive Noonan syndrome when present along with a second pathogenic or likely pathogenic variant on the other allele; however, the association of this alteration with autosomal dominant Noonan syndrome is unlikely.

Literature cited by the submitters: PubMed 24362817 (cited by Labcorp Genetics (formerly Invitae), Labcorp); PubMed 25335493 (cited by Labcorp Genetics (formerly Invitae), Labcorp); PubMed 25480913 (cited by Labcorp Genetics (formerly Invitae), Labcorp); PubMed 25795793 (cited by Labcorp Genetics (formerly Invitae), Labcorp); PubMed 29469822 (cited by Labcorp Genetics (formerly Invitae), Labcorp); PubMed 30368668 (cited by Labcorp Genetics (formerly Invitae), Labcorp); PubMed 30442762 (cited by Labcorp Genetics (formerly Invitae), Labcorp); PubMed 30442766 (cited by Labcorp Genetics (formerly Invitae), Labcorp); PubMed 30481304 (cited by Labcorp Genetics (formerly Invitae), Labcorp); PubMed 30859559 (cited by Labcorp Genetics (formerly Invitae), Labcorp).